The following is an entry in ClinVar:

ClinVar aggregate classification (germline): Benign/Likely benign. Review status: criteria provided, multiple submitters, no conflicts (2 of 4 stars). 4 submissions from 4 submitters: Benign (1); Likely benign (3). Last evaluated 2026-06-01.

Conditions:
Immunodeficiency 39 (IMD39). Identifiers: Orphanet 574918, MedGen C4225358, MONDO:0014597, OMIM 616345.

Allele frequency attached by ClinVar (database versions not stated): gnomAD exomes 0.00087; ExAC 0.00112; 1000 Genomes Project 30x 0.00297; 1000 Genomes Project 0.00300; gnomAD 0.00380 and 0.00414; TOPMed 0.00437; ESP Exome Variant Server 0.00523.
gnomAD v4.1: 1,150 of 1,612,802 alleles (0.071%); highest among the groups gnomAD compares: African/African-American, 1.4%; 6 homozygotes.

Submissions (4):

CeGaT Center for Human Genetics Tuebingen
Classification: Likely benign. Last evaluated: 2026-06-01. Review status: criteria provided, single submitter. Criteria: CeGaT Center For Human Genetics Tuebingen Variant Classification Criteria Version 2. Collection method: clinical testing. Allele origin: germline. Affected: yes. Observed: 1 variant allele.
Comment: IRF7: BP4, BP7, BS1

Labcorp Genetics (formerly Invitae), Labcorp
Classification: Benign for Immunodeficiency 39. Last evaluated: 2026-01-23. Review status: criteria provided, single submitter. Criteria: Invitae Variant Classification Sherloc (09022015). Collection method: clinical testing. Allele origin: germline.

Blueprint Genetics
Classification: Likely benign. Last evaluated: 2024-11-27. Review status: criteria provided, single submitter. Criteria: ACMG Guidelines, 2015. Collection method: clinical testing. Allele origin: germline.

Fulgent Genetics
Classification: Likely benign for Immunodeficiency 39. Last evaluated: 2021-12-23. Review status: criteria provided, single submitter. Criteria: ACMG Guidelines, 2015. Collection method: clinical testing. Allele origin: unknown.

NM_001572.5(IRF7):c.660G>A (p.Leu220=)

Gene: IRF7 (interferon regulatory factor 7; minus strand). Cytogenetic location: 11p15.5.
Variant type: single nucleotide variant.
Coding change: c.660G>A on transcript NM_001572.5 (MANE Select); coding-DNA position 660, G replaced by A.
Protein change: p.Leu220=; no amino-acid change (leucine 220 retained).
Molecular consequence: synonymous variant.
Genome position (GRCh38, 1-based): chr11:614,193, C>T on the plus strand (G>A on the coding strand, the complement: IRF7 is on the minus strand). VCF-style: chr11-614193-C-T. GRCh37 (hg19) VCF-style: chr11-614193-C-T.
Other names: c.660G>A, p.Leu220= (NM_004029.4, LRG_1313t1); c.699G>A, p.Leu233= (NM_004031.4).
Identifiers: ClinVar variation 476073 (VCV000476073.16), dbSNP rs76107421, ClinGen allele CA5783875.